The following is an entry in ClinVar:

NM_001039591.3(USP9X):c.1544C>T (p.Ala515Val)

Gene: USP9X (ubiquitin specific peptidase 9 X-linked; plus strand). Cytogenetic location: Xp11.4.
Variant type: single nucleotide variant.
Coding change: c.1544C>T on transcript NM_001039591.3 (MANE Select); coding-DNA position 1544, C replaced by T.
Protein change: p.Ala515Val; replaces alanine 515 with valine.
Molecular consequence: missense variant.
Genome position (GRCh38, 1-based): chrX:41,148,493, C>T. VCF-style: chrX-41148493-C-T. GRCh37 (hg19) VCF-style: chrX-41007746-C-T.
Other names: c.1544C>T, p.Ala515Val (NM_001039590.3, NM_001410748.1, NM_001410749.1); short protein forms A515V.
Identifiers: ClinVar variation 3774859 (VCV003774859.2).

ClinVar aggregate classification (germline): Uncertain significance (1 of 4 stars; one submission).

Submission:

GeneDx
Classification: Uncertain significance. Last evaluated: 2025-06-20. Review status: criteria provided, single submitter. Criteria: GeneDx Variant Classification Process June 2021. Collection method: clinical testing. Allele origin: germline.
Comment: Not observed at significant frequency in large population cohorts (gnomAD); In silico analysis supports that this missense variant has a deleterious effect on protein structure/function; Has not been previously published as pathogenic or benign to our knowledge